The following is an entry in ClinVar:

ClinVar aggregate classification (germline): Uncertain significance. Review status: criteria provided, multiple submitters, no conflicts (2 of 4 stars). 3 submissions from 3 submitters: Uncertain significance (3). Last evaluated 2026-04-04.

Conditions:
Mitochondrial complex I deficiency, nuclear type 5. Also called: Mitochondrial complex 1 deficiency, nuclear type 5. Identifiers: MedGen C4748754, MONDO:0032610, OMIM 618226.

Allele frequency attached by ClinVar (database versions not stated): gnomAD exomes below 0.00001 and 0.00002; TOPMed 0.00001; gnomAD 0.00002; ExAC 0.00001.
gnomAD v4.1: 36 of 1,614,000 alleles (0.0022%); highest among the groups gnomAD compares: Non-Finnish European, 0.003%; no homozygotes.

Submissions (3):

Foundation for Research in Genetics and Endocrinology, FRIGE's Institute of Human Genetics
Classification: Uncertain significance for Mitochondrial complex I deficiency, nuclear type 5. Last evaluated: 2026-04-04. Review status: criteria provided, single submitter. Criteria: ACMG Guidelines, 2015. Collection method: clinical testing. Allele origin: germline. Inheritance: Autosomal recessive inheritance. Affected: yes. Observed: 1 variant allele, 1 homozygote.
Comment: The homozygous missense variant c.2084A>G (p.Tyr695Cys) has been detected in the NDUFS1 gene on chromosomal position chr2:206126547:T>C. It is located in exon 18 and it leads to a. This variant has been reported in population frequency databases such as gnomAD (MAF-0.0022%) and ExAC (MAF-0.0008%), but never in homozygous state. This variant is predicted to be deleterious by insilico prediction tools such as Revel, SIFT, MutationTaster, FATHMM, DANN, MetaLR, PrimateAI and BayesDel. In summary, the variant meets our criteria to be classified as variant of uncertain significance.

3billion
Classification: Uncertain significance for Mitochondrial complex I deficiency, nuclear type 5. Last evaluated: 2024-07-11. Review status: criteria provided, single submitter. Criteria: ACMG Guidelines, 2015. Collection method: clinical testing. Allele origin: germline. Affected: yes.
Comment: The variant is observed at an extremely low frequency in the gnomAD v4.0.0 dataset (total allele frequency: 0.002%). Predicted Consequence/Location: Missense variant In silico tool predictions suggest damaging effect of the variant on gene or gene product [REVEL: 0.95 (>=0.6, sensitivity 0.68 and specificity 0.92); 3Cnet: 0.89 (>=0.6, sensitivity 0.72 and precision 0.9)]. The same nucleotide change resulting in the same amino acid change has been previously reported to be associated with NDUFS1-related disorder (PMID: 22200994). A different missense change at the same codon (p.Tyr695His) has been reported to be associated with NDUFS1-related disorder (PMID: 22200994). Therefore, this variant is classified as VUS according to the recommendation of ACMG/AMP guideline.

GeneDx
Classification: Uncertain significance. Last evaluated: 2020-03-03. Review status: criteria provided, single submitter. Criteria: GeneDx Variant Classification Process June 2021. Collection method: clinical testing. Allele origin: germline. Affected: yes.
Comment: Not observed at a significant frequency in large population cohorts (Lek et al., 2016); In silico analysis supports that this missense variant has a deleterious effect on protein structure/function; This variant is associated with the following publications: (PMID: 22200994)

Literature cited by the submitters: PubMed 22200994 (cited by 3billion).

NM_005006.7(NDUFS1):c.2084A>G (p.Tyr695Cys)

Gene: NDUFS1 (NADH:ubiquinone oxidoreductase core subunit S1; minus strand). Cytogenetic location: 2q33.3.
Variant type: single nucleotide variant.
Coding change: c.2084A>G on transcript NM_005006.7 (MANE Select); coding-DNA position 2084, A replaced by G.
Protein change: p.Tyr695Cys; replaces tyrosine 695 with cysteine.
Molecular consequence: missense variant.
Genome position (GRCh38, 1-based): chr2:206,126,547, T>C on the plus strand (A>G on the coding strand, the complement: NDUFS1 is on the minus strand). VCF-style: chr2-206126547-T-C. GRCh37 (hg19) VCF-style: chr2-206991271-T-C.
Other names: p.Tyr695Cys; c.1976A>G, p.Tyr659Cys (NM_001199981.2); c.1751A>G, p.Tyr584Cys (NM_001199982.2); c.1913A>G, p.Tyr638Cys (NM_001199983.2); c.2126A>G, p.Tyr709Cys (NM_001199984.2); short protein forms Y584C, Y638C, Y659C, Y695C, Y709C.
Identifiers: ClinVar variation 1303013 (VCV001303013.3), dbSNP rs773465401, ClinGen allele CA2070273.